The following is an entry in ClinVar:

NM_000368.5(TSC1):c.597C>T (p.Phe199=)

Gene: TSC1 (TSC complex subunit 1; minus strand). Cytogenetic location: 9q34.13.
Variant type: single nucleotide variant.
Coding change: c.597C>T on transcript NM_000368.5 (MANE Select); coding-DNA position 597, C replaced by T.
Protein change: p.Phe199=; no amino-acid change (phenylalanine 199 retained).
Molecular consequence: synonymous variant.
Genome position (GRCh38, 1-based): chr9:132,921,885, G>A on the plus strand (C>T on the coding strand, the complement: TSC1 is on the minus strand). VCF-style: chr9-132921885-G-A. GRCh37 (hg19) VCF-style: chr9-135797272-G-A.
Other names: c.597C>T, p.Phe199= (NM_001162426.2); c.444C>T, p.Phe148= (NM_001162427.2); c.234C>T, p.Phe78= (NM_001362177.2).
Identifiers: ClinVar variation 416683 (VCV000416683.26), dbSNP rs202242304, ClinGen allele CA038194.

ClinVar aggregate classification (germline): Conflicting classifications of pathogenicity. Review status: criteria provided, conflicting classifications (1 of 4 stars). 9 submissions from 9 submitters: Uncertain significance (1); Benign (3); Likely benign (5). Last evaluated 2025-10-06.

Conditions:
Hereditary cancer-predisposing syndrome. Also called: Tumor predisposition; Hereditary Cancer Syndrome; Hereditary neoplastic syndrome; Neoplastic Syndromes, Hereditary. Identifiers: Orphanet 140162, MedGen C0027672, MeSH D009386, MONDO:0015356.
Tuberous sclerosis 1 (TSC1). Identifiers: Orphanet 805, MedGen C1854465, MONDO:0008612, OMIM 191100.
Lymphangiomyomatosis (LAM). Also called: Lymphangioleiomyomatosis, somatic; Lymphangioleiomyomatosis. Identifiers: Orphanet 538, MedGen C0751674, MONDO:0011705, OMIM 606690.
Isolated focal cortical dysplasia type II (FCORD2). Also called: Focal cortical dysplasia type II; CORTICAL DYSPLASIA OF TAYLOR. Identifiers: Orphanet 268994, MedGen C1846385, MONDO:0011818, OMIM 607341, HP:0032051.
Tuberous sclerosis syndrome (TSC). Also called: Tuberous Sclerosis Complex; Tuberous sclerosis. Identifiers: Orphanet 805, MedGen C0041341, MONDO:0001734.

Allele frequency attached by ClinVar (database versions not stated): gnomAD 0.00001 and 0.00002; TOPMed 0.00001; ExAC 0.00002; gnomAD exomes 0.00002; 1000 Genomes Project 30x 0.00016; 1000 Genomes Project 0.00020.

Submissions (9):

Labcorp Genetics (formerly Invitae), Labcorp
Classification: Benign for Tuberous sclerosis 1. Last evaluated: 2025-10-06. Review status: criteria provided, single submitter. Criteria: Invitae Variant Classification Sherloc (09022015). Collection method: clinical testing. Allele origin: germline.

Myriad Genetics, Inc.
Classification: Benign for Tuberous sclerosis 1. Last evaluated: 2025-04-08. Review status: criteria provided, single submitter. Criteria: Myriad Autosomal Dominant, Autosomal Recessive and X-Linked Classification Criteria (2023). Collection method: clinical testing. Allele origin: unknown.
Comment: This variant is considered benign. This variant is a silent/synonymous amino acid change and it is not expected to impact splicing.

All of Us Research Program, National Institutes of Health
Classification: Likely benign for Tuberous sclerosis syndrome. Last evaluated: 2024-08-23. Review status: criteria provided, single submitter. Criteria: ACMG Guidelines, 2015. Collection method: clinical testing. Allele origin: germline. Inheritance: Autosomal dominant inheritance. Observed: 3 variant alleles, 3 heterozygotes.
Comment: This study involves interpretation of variants in research participants for the purpose of population health screening. Participant phenotype was not available at the time of variant classification. Additional details can be found in publication PMID: 35346344, PMCID: PMC8962531

KCCC/NGS Laboratory, Kuwait Cancer Control Center
Classification: Likely benign for Tuberous sclerosis 1. Last evaluated: 2023-07-07. Review status: criteria provided, single submitter. Criteria: ACMG Guidelines, 2015. Collection method: clinical testing. Allele origin: germline. Affected: yes.

GeneDx
Classification: Uncertain significance. Last evaluated: 2023-02-17. Review status: criteria provided, single submitter. Criteria: GeneDx Variant Classification Process June 2021. Collection method: clinical testing. Allele origin: germline. Affected: yes.
Comment: In silico analysis suggests this variant may impact gene splicing. In the absence of RNA/functional studies, the actual effect of this sequence change is unknown.; Has not been previously published as pathogenic or benign to our knowledge

Fulgent Genetics
Classification: Likely benign for Tuberous sclerosis 1; Lymphangiomyomatosis; Isolated focal cortical dysplasia type II. Last evaluated: 2022-04-15. Review status: criteria provided, single submitter. Criteria: ACMG Guidelines, 2015. Collection method: clinical testing. Allele origin: unknown.

Genome-Nilou Lab
Classification: Benign for Tuberous sclerosis 1. Last evaluated: 2021-11-07. Review status: criteria provided, single submitter. Criteria: ACMG Guidelines, 2015. Collection method: clinical testing. Allele origin: germline. Affected: no.

Blueprint Genetics
Classification: Likely benign. Last evaluated: 2021-10-13. Review status: criteria provided, single submitter. Criteria: ACMG Guidelines, 2015. Collection method: clinical testing. Allele origin: germline.

Ambry Genetics
Classification: Likely benign for Hereditary cancer-predisposing syndrome. Last evaluated: 2019-02-21. Review status: criteria provided, single submitter. Criteria: Ambry Variant Classification Scheme 2023. Collection method: clinical testing. Allele origin: germline.